The following is an entry in ClinVar:

ClinVar aggregate classification (germline): Uncertain significance (1 of 4 stars; one submission).

Submission:

Labcorp Genetics (formerly Invitae), Labcorp
Classification: Uncertain significance. Last evaluated: 2026-01-24. Review status: criteria provided, single submitter. Criteria: Invitae Variant Classification Sherloc (09022015). Collection method: clinical testing. Allele origin: germline.
Comment: This sequence change replaces glycine, which is neutral and non-polar, with glutamic acid, which is acidic and polar, at codon 11 of the MARS2 protein (p.Gly11Glu). This variant is present in population databases (no rsID available, gnomAD 0.007%). This variant has not been reported in the literature in individuals affected with MARS2-related conditions. An algorithm developed to predict the effect of missense changes on protein structure and function outputs the following: PolyPhen-2: "Benign". The glutamic acid amino acid residue is found in multiple mammalian species, which suggests that this missense change does not adversely affect protein function. In summary, the available evidence is currently insufficient to determine the role of this variant in disease. Therefore, it has been classified as a Variant of Uncertain Significance.

NM_138395.4(MARS2):c.32G>A (p.Gly11Glu)

Gene: MARS2 (methionyl-tRNA synthetase 2, mitochondrial; plus strand). Cytogenetic location: 2q33.1.
Variant type: single nucleotide variant.
Coding change: c.32G>A on transcript NM_138395.4 (MANE Select); coding-DNA position 32, G replaced by A.
Protein change: p.Gly11Glu; replaces glycine 11 with glutamic acid.
Molecular consequence: missense variant.
Genome position (GRCh38, 1-based): chr2:197,705,437, G>A. VCF-style: chr2-197705437-G-A. GRCh37 (hg19) VCF-style: chr2-198570161-G-A.
Other names: short protein forms G11E.
Identifiers: ClinVar variation 4753169 (VCV004753169.1).